The following is an entry in ClinVar:

NM_004356.4(CD81):c.355-3C>T

Gene: CD81 (CD81 molecule; plus strand). Cytogenetic location: 11p15.5.
Variant type: single nucleotide variant.
Coding change: c.355-3C>T on transcript NM_004356.4 (MANE Select); 3 bases into the intron before coding-DNA position 355, C replaced by T.
Molecular consequence: intron variant.
Genome position (GRCh38, 1-based): chr11:2,395,413, C>T. VCF-style: chr11-2395413-C-T. GRCh37 (hg19) VCF-style: chr11-2416643-C-T.
Other names: c.142-3C>T (NM_001425129.1, NM_001297649.2, NM_001425130.1 and 4 more transcripts); c.478-3C>T (NM_001425135.1); c.355-3C>T (NM_001425137.1).
Identifiers: ClinVar variation 3680919 (VCV003680919.2).

ClinVar aggregate classification (germline): Uncertain significance (1 of 4 stars; one submission).

gnomAD v4.1: 1 of 1,611,028 alleles (0.000062%); highest among the groups gnomAD compares: Non-Finnish European, 0.000085%; no homozygotes.

Submission:

Labcorp Genetics (formerly Invitae), Labcorp
Classification: Uncertain significance. Last evaluated: 2024-07-01. Review status: criteria provided, single submitter. Criteria: Invitae Variant Classification Sherloc (09022015). Collection method: clinical testing. Allele origin: germline.
Comment: This sequence change falls in intron 4 of the CD81 gene. It does not directly change the encoded amino acid sequence of the CD81 protein. It affects a nucleotide within the consensus splice site. This variant is not present in population databases (gnomAD no frequency). This variant has not been reported in the literature in individuals affected with CD81-related conditions. Variants that disrupt the consensus splice site are a relatively common cause of aberrant splicing (PMID: 17576681, 9536098). Algorithms developed to predict the effect of sequence changes on RNA splicing suggest that this variant is not likely to affect RNA splicing. In summary, the available evidence is currently insufficient to determine the role of this variant in disease. Therefore, it has been classified as a Variant of Uncertain Significance.

Literature cited by the submitters: PubMed 17576681; PubMed 9536098.